The following is an entry in ClinVar:

NM_000426.4(LAMA2):c.4711T>G (p.Cys1571Gly)

Gene: LAMA2 (laminin subunit alpha 2; plus strand). Cytogenetic location: 6q22.33.
Variant type: single nucleotide variant.
Coding change: c.4711T>G on transcript NM_000426.4 (MANE Select); coding-DNA position 4711, T replaced by G.
Protein change: p.Cys1571Gly; replaces cysteine 1571 with glycine.
Molecular consequence: missense variant.
Genome position (GRCh38, 1-based): chr6:129,353,351, T>G. VCF-style: chr6-129353351-T-G. GRCh37 (hg19) VCF-style: chr6-129674496-T-G.
Other names: c.4711T>G, p.Cys1571Gly (NM_001079823.2); short protein forms C1571G.
Identifiers: ClinVar variation 1498057 (VCV001498057.7), dbSNP rs745647209, ClinGen allele CA365618918.

ClinVar aggregate classification (germline): Uncertain significance (1 of 4 stars; one submission).

Conditions:
LAMA2-related muscular dystrophy (LAMA2-RD). Also called: Laminin alpha 2-related dystrophy. Identifiers: MedGen C5679788, MONDO:0100228.

Submission:

Labcorp Genetics (formerly Invitae), Labcorp
Classification: Uncertain significance for LAMA2-related muscular dystrophy. Last evaluated: 2020-12-29. Review status: criteria provided, single submitter. Criteria: Invitae Variant Classification Sherloc (09022015). Collection method: clinical testing. Allele origin: germline.
Comment: In summary, the available evidence is currently insufficient to determine the role of this variant in disease. Therefore, it has been classified as a Variant of Uncertain Significance. Advanced modeling of protein sequence and biophysical properties (such as structural, functional, and spatial information, amino acid conservation, physicochemical variation, residue mobility, and thermodynamic stability) performed at Invitae indicates that this missense variant is not expected to disrupt LAMA2 protein function. This variant has not been reported in the literature in individuals with LAMA2-related conditions. This variant is not present in population databases (ExAC no frequency). This sequence change replaces cysteine with glycine at codon 1571 of the LAMA2 protein (p.Cys1571Gly). The cysteine residue is moderately conserved and there is a large physicochemical difference between cysteine and glycine.